The following is an entry in ClinVar:

ClinVar aggregate classification (germline): Uncertain significance (1 of 4 stars; one submission).

Allele frequency attached by ClinVar (database versions not stated): gnomAD 0.00002; gnomAD exomes 0.00002 and 0.00006; ExAC 0.00003; TOPMed 0.00004.
gnomAD v4.1: 100 of 1,570,926 alleles (0.0064%); highest among the groups gnomAD compares: Non-Finnish European, 0.0076%; 1 homozygote.

Submission:

Labcorp Genetics (formerly Invitae), Labcorp
Classification: Uncertain significance. Last evaluated: 2022-08-19. Review status: criteria provided, single submitter. Criteria: Invitae Variant Classification Sherloc (09022015). Collection method: clinical testing. Allele origin: germline.
Comment: This sequence change replaces glycine, which is neutral and non-polar, with aspartic acid, which is acidic and polar, at codon 553 of the PLAA protein (p.Gly553Asp). This variant is present in population databases (rs769037046, gnomAD 0.004%). This variant has not been reported in the literature in individuals affected with PLAA-related conditions. ClinVar contains an entry for this variant (Variation ID: 1489336). Algorithms developed to predict the effect of missense changes on protein structure and function (SIFT, PolyPhen-2, Align-GVGD) all suggest that this variant is likely to be tolerated. Algorithms developed to predict the effect of sequence changes on RNA splicing suggest that this variant may disrupt the consensus splice site. In summary, the available evidence is currently insufficient to determine the role of this variant in disease. Therefore, it has been classified as a Variant of Uncertain Significance.

NM_001031689.3(PLAA):c.1658G>A (p.Gly553Asp)

Gene: PLAA (phospholipase A2 activating protein; minus strand). Cytogenetic location: 9p21.2.
Variant type: single nucleotide variant.
Coding change: c.1658G>A on transcript NM_001031689.3 (MANE Select); coding-DNA position 1658, G replaced by A.
Protein change: p.Gly553Asp; replaces glycine 553 with aspartic acid.
Molecular consequence: missense variant.
Genome position (GRCh38, 1-based): chr9:26,907,998, C>T on the plus strand (G>A on the coding strand, the complement: PLAA is on the minus strand). VCF-style: chr9-26907998-C-T. GRCh37 (hg19) VCF-style: chr9-26907996-C-T.
Other names: c.1589G>A, p.Gly530Asp (NM_001321546.2); short protein forms G530D, G553D.
Identifiers: ClinVar variation 1489336 (VCV001489336.5), dbSNP rs769037046, ClinGen allele CA5014247.